The following is an entry in ClinVar:

NM_001374259.2(IL12RB2):c.1906A>T (p.Ile636Phe)

Gene: IL12RB2 (interleukin 12 receptor subunit beta 2; plus strand). Cytogenetic location: 1p31.3.
Variant type: single nucleotide variant.
Coding change: c.1906A>T on transcript NM_001374259.2 (MANE Select); coding-DNA position 1906, A replaced by T.
Protein change: p.Ile636Phe; replaces isoleucine 636 with phenylalanine.
Molecular consequence: missense variant. On other transcripts: non-coding transcript variant (1), intron variant (1).
Genome position (GRCh38, 1-based): chr1:67,386,629, A>T. VCF-style: chr1-67386629-A-T. GRCh37 (hg19) VCF-style: chr1-67852312-A-T.
Other names: c.1906A>T, p.Ile636Phe (NM_001258214.1, NM_001319233.1, NM_001559.3); c.1648A>T, p.Ile550Phe (NM_001258215.1); c.1855+6506A>T (NM_001258216.1); short protein forms I636F, I550F.
Identifiers: ClinVar variation 1509936 (VCV001509936.6), dbSNP rs1665181116, ClinGen allele CA340733177.

ClinVar aggregate classification (germline): Uncertain significance (1 of 4 stars; one submission).

Allele frequency attached by ClinVar (database versions not stated): TOPMed below 0.00001; gnomAD 0.00001; gnomAD exomes 0.00001.
gnomAD v4.1: 5 of 1,613,638 alleles (0.00031%); highest among the groups gnomAD compares: Non-Finnish European, 0.00042%; no homozygotes.

Submission:

Labcorp Genetics (formerly Invitae), Labcorp
Classification: Uncertain significance. Last evaluated: 2025-02-15. Review status: criteria provided, single submitter. Criteria: Invitae Variant Classification Sherloc (09022015). Collection method: clinical testing. Allele origin: germline.
Comment: This sequence change replaces isoleucine, which is neutral and non-polar, with phenylalanine, which is neutral and non-polar, at codon 636 of the IL12RB2 protein (p.Ile636Phe). This variant is not present in population databases (gnomAD no frequency). This variant has not been reported in the literature in individuals affected with IL12RB2-related conditions. ClinVar contains an entry for this variant (Variation ID: 1509936). An algorithm developed to predict the effect of missense changes on protein structure and function (PolyPhen-2) suggests that this variant is likely to be tolerated. In summary, the available evidence is currently insufficient to determine the role of this variant in disease. Therefore, it has been classified as a Variant of Uncertain Significance.